The following is an entry in ClinVar:

NM_004995.4(MMP14):c.145G>A (p.Asp49Asn)

Gene: MMP14 (matrix metallopeptidase 14; plus strand). Cytogenetic location: 14q11.2.
Variant type: single nucleotide variant.
Coding change: c.145G>A on transcript NM_004995.4 (MANE Select); coding-DNA position 145, G replaced by A.
Protein change: p.Asp49Asn; replaces aspartic acid 49 with asparagine.
Molecular consequence: missense variant.
Genome position (GRCh38, 1-based): chr14:22,841,527, G>A. VCF-style: chr14-22841527-G-A. GRCh37 (hg19) VCF-style: chr14-23310736-G-A.
Other names: short protein forms D49N.
Identifiers: ClinVar variation 1467990 (VCV001467990.6), dbSNP rs1447695194, ClinGen allele CA388929111.

ClinVar aggregate classification (germline): Uncertain significance (1 of 4 stars; one submission).

Submission:

Labcorp Genetics (formerly Invitae), Labcorp
Classification: Uncertain significance. Last evaluated: 2021-10-27. Review status: criteria provided, single submitter. Criteria: Invitae Variant Classification Sherloc (09022015). Collection method: clinical testing. Allele origin: germline.
Comment: In summary, the available evidence is currently insufficient to determine the role of this variant in disease. Therefore, it has been classified as a Variant of Uncertain Significance. Algorithms developed to predict the effect of missense changes on protein structure and function are either unavailable or do not agree on the potential impact of this missense change (SIFT: "Deleterious"; PolyPhen-2: "Benign"; Align-GVGD: "Class C15"). This variant has not been reported in the literature in individuals affected with MMP14-related conditions. This variant is not present in population databases (gnomAD no frequency). This sequence change replaces aspartic acid, a(n) acidic and polar amino acid, with asparagine, a(n) neutral and polar amino acid, at codon 49 of the MMP14 protein (p.Asp49Asn).